The following is an entry in ClinVar:

NM_001371623.1(TCOF1):c.2859+4019_2859+4021del

Gene: TCOF1 (treacle ribosome biogenesis factor 1; plus strand). Cytogenetic location: 5q32.
Variant type: Microsatellite.
Coding change: c.2859+4019_2859+4021del on transcript NM_001371623.1 (MANE Select); bases 4019 to 4021 of the intron after coding-DNA position 2859, 3 bases deleted (CTT; older notation c.2859+4019_2859+4021delCTT).
Molecular consequence: intron variant. On other transcripts: inframe deletion (1).
Genome position (GRCh38, 1-based): chr5:150,383,751-150,383,753, CTT deleted; deleting any 3 consecutive bases within chr5:150,383,747-150,383,753 gives the same sequence; the c. name uses the placement nearest the transcript's 3' end. VCF-style (leftmost placement, unchanged base first): chr5-150383746-GTCT-G. GRCh37 (hg19) VCF-style: chr5-149763309-GTCT-G.
Other names: c.2870CTT[1], p.Ser958del (NM_001008657.3); c.2859+4019_2859+4021del (NM_001135243.2, NM_001135244.2, NM_001195141.2); c.2739+579_2739+581del (NM_001437406.1); c.2628+4019_2628+4021del (NM_001135245.2, NM_000356.4); short protein forms S958del.
Identifiers: ClinVar variation 4985503 (VCV004985503.1).

ClinVar aggregate classification (germline): Uncertain significance (1 of 4 stars; one submission).

Conditions:
TCOF1-related disorder. Also called: TCOF1-related condition.

Submission:

PreventionGenetics, part of Exact Sciences
Classification: Uncertain significance for TCOF1-related condition. Last evaluated: 2025-02-12. Review status: criteria provided, single submitter. Criteria: ACMG Guidelines, 2015. Collection method: clinical testing. Allele origin: germline.
Comment: The TCOF1 c.2873_2875delCTT variant is predicted to result in an in-frame deletion (p.Ser958del). To our knowledge, this variant has not been reported in the literature. This variant is reported in 0.022% of alleles in individuals of South Asian descent in gnomAD. At this time, the clinical significance of this variant is uncertain due to the absence of conclusive functional and genetic evidence.